The following is an entry in ClinVar:

NM_001170629.2(CHD8):c.1093C>T (p.Gln365Ter)

Gene: CHD8 (chromodomain helicase DNA binding protein 8; minus strand). Cytogenetic location: 14q11.2.
Variant type: single nucleotide variant.
Coding change: c.1093C>T on transcript NM_001170629.2 (MANE Select); coding-DNA position 1093, C replaced by T.
Protein change: p.Gln365Ter; replaces glutamine 365 with a stop codon.
Molecular consequence: nonsense.
Genome position (GRCh38, 1-based): chr14:21,429,086, G>A on the plus strand (C>T on the coding strand, the complement: CHD8 is on the minus strand). VCF-style: chr14-21429086-G-A. GRCh37 (hg19) VCF-style: chr14-21897245-G-A.
Other names: c.256C>T, p.Gln86Ter (NM_020920.4); short protein forms Q365*, Q86*.
Identifiers: ClinVar variation 1217256 (VCV001217256.1), dbSNP rs746163664, ClinGen allele CA388884750.

ClinVar aggregate classification (germline): Likely pathogenic (1 of 4 stars; one submission).

Conditions:
CHD8-related disorder. Also called: CHD8-related condition; CHD8-related disorders.

Submission:

Women's Health and Genetics/Laboratory Corporation of America, LabCorp
Classification: Likely pathogenic for CHD8-Related Disorders. Last evaluated: 2021-08-18. Review status: criteria provided, single submitter. Criteria: LabCorp Variant Classification Summary - May 2015. Collection method: clinical testing. Allele origin: germline.
Comment: Variant summary: CHD8 c.1093C>T (p.Gln365X) results in a premature termination codon, predicted to cause a truncation of the encoded protein or absence of the protein due to nonsense mediated decay, which are commonly known mechanisms for disease. The variant was absent in 249476 control chromosomes (gnomAD). To our knowledge, no occurrence of c.1093C>T in individuals affected with CHD8-Related Disorders and no experimental evidence demonstrating its impact on protein function have been reported. No clinical diagnostic laboratories have submitted clinical-significance assessments for this variant to ClinVar after 2014. Based on the evidence outlined above, the variant was classified as likely pathogenic.